The following is an entry in ClinVar:

NM_006005.3(WFS1):c.782G>A (p.Ser261Asn)

Gene: WFS1 (wolframin ER transmembrane glycoprotein; plus strand). Cytogenetic location: 4p16.1.
Variant type: single nucleotide variant.
Coding change: c.782G>A on transcript NM_006005.3 (MANE Select); coding-DNA position 782, G replaced by A.
Protein change: p.Ser261Asn; replaces serine 261 with asparagine.
Molecular consequence: missense variant.
Genome position (GRCh38, 1-based): chr4:6,295,110, G>A. VCF-style: chr4-6295110-G-A. GRCh37 (hg19) VCF-style: chr4-6296837-G-A.
Other names: c.782G>A, p.Ser261Asn (NM_001145853.1); short protein forms S261N.
Identifiers: ClinVar variation 3897292 (VCV003897292.1).

ClinVar aggregate classification (germline): Uncertain significance (1 of 4 stars; one submission).

Submission:

GeneDx
Classification: Uncertain significance. Last evaluated: 2024-10-29. Review status: criteria provided, single submitter. Criteria: GeneDx Variant Classification Process June 2021. Collection method: clinical testing. Allele origin: germline. Affected: yes.
Comment: Not observed at significant frequency in large population cohorts (gnomAD); In silico analysis indicates that this missense variant does not alter protein structure/function; Has not been previously published as pathogenic or benign to our knowledge